The following is an entry in ClinVar:

NM_001376.5(DYNC1H1):c.10271A>G (p.Lys3424Arg)

Gene: DYNC1H1 (dynein cytoplasmic 1 heavy chain 1; plus strand). Cytogenetic location: 14q32.31.
Variant type: single nucleotide variant.
Coding change: c.10271A>G on transcript NM_001376.5 (MANE Select); coding-DNA position 10271, A replaced by G.
Protein change: p.Lys3424Arg; replaces lysine 3424 with arginine.
Molecular consequence: missense variant.
Genome position (GRCh38, 1-based): chr14:102,033,342, A>G. VCF-style: chr14-102033342-A-G. GRCh37 (hg19) VCF-style: chr14-102499679-A-G.
Other names: short protein forms K3424R.
Identifiers: ClinVar variation 1309357 (VCV001309357.3), dbSNP rs2152591781, ClinGen allele CA391023599.

ClinVar aggregate classification (germline): Uncertain significance. Review status: criteria provided, multiple submitters, no conflicts (2 of 4 stars). 2 submissions from 2 submitters: Uncertain significance (2). Last evaluated 2022-09-06.

gnomAD v4.1: 5 of 1,614,260 alleles (0.00031%); highest among the groups gnomAD compares: Non-Finnish European, 0.00042%; no homozygotes.

Submissions (2):

Blueprint Genetics
Classification: Uncertain significance. Last evaluated: 2022-09-06. Review status: criteria provided, single submitter. Criteria: ACMG Guidelines, 2015. Collection method: clinical testing. Allele origin: germline.

GeneDx
Classification: Uncertain significance. Last evaluated: 2019-10-21. Review status: criteria provided, single submitter. Criteria: GeneDx Variant Classification Process June 2021. Collection method: clinical testing. Allele origin: germline. Affected: yes.
Comment: Not observed in large population cohorts (Lek et al., 2016); In silico analysis, which includes protein predictors and evolutionary conservation, supports that this variant does not alter protein structure/function; Has not been previously published as pathogenic or benign to our knowledge